The following is an entry in ClinVar:

NM_001099922.3(ALG13):c.2882T>C (p.Leu961Pro)

Gene: ALG13 (ALG13 UDP-N-acetylglucosaminyltransferase subunit; plus strand). Cytogenetic location: Xq23.
Variant type: single nucleotide variant.
Coding change: c.2882T>C on transcript NM_001099922.3 (MANE Select); coding-DNA position 2882, T replaced by C.
Protein change: p.Leu961Pro; replaces leucine 961 with proline.
Molecular consequence: missense variant. On other transcripts: intron variant (5).
Genome position (GRCh38, 1-based): chrX:111,744,854, T>C. VCF-style: chrX-111744854-T-C. GRCh37 (hg19) VCF-style: chrX-110988082-T-C.
Other names: c.2648T>C, p.Leu883Pro (NM_001257231.2); c.2384-7936T>C (NM_001257237.2, NM_001257234.2, NM_001257230.2); c.2210-7936T>C (NM_001324293.1); c.2696-7936T>C (NM_001324292.2); short protein forms L961P, L883P.
Identifiers: ClinVar variation 4747433 (VCV004747433.1).
Genomic context (GRCh38, chrX:111,744,854, plus strand): 5'-CTCCTCCTCCTCCTGCTCTTGATGTGGGAGAGACTTCAAACTTACAACCACCACCACCAC[T>C]ACCACCTCCACCTTATTCCTGTGATCCAAGCGGCAGTGATTTGCCTCAAGGTAAGTAGAT-3'
Protein context (NP_001093392.1, residues 951-971): ETSNLQPPPP[Leu961Pro]PPPPYSCDPS

ClinVar aggregate classification (germline): Uncertain significance (1 of 4 stars; one submission).

Conditions:
Developmental and epileptic encephalopathy, 36 (DEE36). Also called: ALG13-CDG; Epileptic encephalopathy, early infantile, 36; Congenital disorder of glycosylation, type Is. Identifiers: Orphanet 324422, MedGen C4317295, MONDO:0010472, OMIM 300884.

Submission:

Labcorp Genetics (formerly Invitae), Labcorp
Classification: Uncertain significance for Developmental and epileptic encephalopathy, 36. Last evaluated: 2025-03-19. Review status: criteria provided, single submitter. Criteria: Invitae Variant Classification Sherloc (09022015). Collection method: clinical testing. Allele origin: germline.
Comment: This sequence change replaces leucine, which is neutral and non-polar, with proline, which is neutral and non-polar, at codon 961 of the ALG13 protein (p.Leu961Pro). This variant is not present in population databases (gnomAD no frequency). This variant has not been reported in the literature in individuals affected with ALG13-related conditions. Invitae Evidence Modeling of protein sequence and biophysical properties (such as structural, functional, and spatial information, amino acid conservation, physicochemical variation, residue mobility, and thermodynamic stability) indicates that this missense variant is not expected to disrupt ALG13 protein function with a negative predictive value of 95%. In summary, the available evidence is currently insufficient to determine the role of this variant in disease. Therefore, it has been classified as a Variant of Uncertain Significance.